The following is an entry in ClinVar:

ClinVar aggregate classification (germline): Benign. Review status: criteria provided, multiple submitters, no conflicts (2 of 4 stars). 4 submissions from 4 submitters: Benign (4). Last evaluated 2018-07-05.

Conditions:
Nephronophthisis 7 (NPHP7). Identifiers: Orphanet 655, MedGen C1969092, MONDO:0012680, OMIM 611498.

Allele frequency attached by ClinVar (database versions not stated): gnomAD 0.05267 and 0.05644; 1000 Genomes Project 0.05551; ExAC 0.01941; 1000 Genomes Project 30x 0.05949; ESP Exome Variant Server 0.05968; gnomAD exomes 0.01424; TOPMed 0.05984.
gnomAD v4.1: 16,563 of 1,610,762 alleles (1%); highest among the groups gnomAD compares: African/African-American, 18%; 1,306 homozygotes.

Submissions (4):

GeneDx
Classification: Benign. Last evaluated: 2018-07-05. Review status: criteria provided, single submitter. Criteria: GeneDx Variant Classification Process June 2021. Collection method: clinical testing. Allele origin: germline. Affected: yes.

Illumina Laboratory Services, Illumina
Classification: Benign for Nephronophthisis 7. Last evaluated: 2018-01-13. Review status: criteria provided, single submitter. Criteria: ICSL Variant Classification Criteria 13 December 2019. Collection method: clinical testing. Allele origin: germline.
Comment: This variant was observed in the ICSL laboratory as part of a predisposition screen in an ostensibly healthy population. It had not been previously curated by ICSL or reported in the Human Gene Mutation Database (HGMD: prior to June 1st, 2018), and was therefore a candidate for classification through an automated scoring system. Utilizing variant allele frequency, disease prevalence and penetrance estimates, and inheritance mode, an automated score was calculated to assess if this variant is too frequent to cause the disease. Based on the score and internal cut-off values, a variant classified as benign is not then subjected to further curation. The score for this variant resulted in a classification of benign for this disease.

Breakthrough Genomics
Classification: Benign. Review status: criteria provided, single submitter. Criteria: ACMG Guidelines, 2015. Collection method: not provided. Allele origin: germline. Inheritance: Unknown mechanism. Affected: yes.

PreventionGenetics, part of Exact Sciences
Classification: Benign. Review status: criteria provided, single submitter. Criteria: ACMG Guidelines, 2015. Collection method: clinical testing. Allele origin: germline.

NM_032575.3(GLIS2):c.-11G>A

Gene: GLIS2 (GLIS family zinc finger 2; plus strand). Cytogenetic location: 16p13.3.
Variant type: single nucleotide variant.
Coding change: c.-11G>A on transcript NM_032575.3 (MANE Select); 11 bases upstream of the start codon, G replaced by A.
Molecular consequence: 5 prime UTR variant.
Genome position (GRCh38, 1-based): chr16:4,332,270, G>A. VCF-style: chr16-4332270-G-A. GRCh37 (hg19) VCF-style: chr16-4382271-G-A.
Other names: c.-11G>A (NM_001318918.2).
Identifiers: ClinVar variation 262084 (VCV000262084.8), dbSNP rs28449480, ClinGen allele CA7872867.